The following is an entry in ClinVar:

ClinVar aggregate classification (germline): Uncertain significance (1 of 4 stars; one submission).

Conditions:
Tumor predisposition syndrome 3 (TPDS3). Also called: Melanoma, cutaneous malignant, susceptibility to, 10; Glioma susceptibility 9; LONG TELOMERE SYNDROME, POT1-RELATED; POT1 Tumor Predisposition. Identifiers: Orphanet 618, MedGen C4014476, MONDO:0014368, OMIM 615848.

Allele frequency attached by ClinVar (database versions not stated): TOPMed below 0.00001.

Submission:

Labcorp Genetics (formerly Invitae), Labcorp
Classification: Uncertain significance for Tumor predisposition syndrome 3. Last evaluated: 2024-09-27. Review status: criteria provided, single submitter. Criteria: Invitae Variant Classification Sherloc (09022015). Collection method: clinical testing. Allele origin: germline.
Comment: This sequence change replaces histidine, which is basic and polar, with proline, which is neutral and non-polar, at codon 228 of the POT1 protein (p.His228Pro). This variant is not present in population databases (gnomAD no frequency). This variant has not been reported in the literature in individuals affected with POT1-related conditions. Invitae Evidence Modeling of protein sequence and biophysical properties (such as structural, functional, and spatial information, amino acid conservation, physicochemical variation, residue mobility, and thermodynamic stability) indicates that this missense variant is not expected to disrupt POT1 protein function with a negative predictive value of 80%. In summary, the available evidence is currently insufficient to determine the role of this variant in disease. Therefore, it has been classified as a Variant of Uncertain Significance.

NM_015450.3(POT1):c.683A>C (p.His228Pro)

Gene: POT1 (protection of telomeres 1; minus strand). Cytogenetic location: 7q31.33.
Variant type: single nucleotide variant.
Coding change: c.683A>C on transcript NM_015450.3 (MANE Select); coding-DNA position 683, A replaced by C.
Protein change: p.His228Pro; replaces histidine 228 with proline.
Molecular consequence: missense variant. On other transcripts: non-coding transcript variant (3).
Genome position (GRCh38, 1-based): chr7:124,858,976, T>G on the plus strand (A>C on the coding strand, the complement: POT1 is on the minus strand). VCF-style: chr7-124858976-T-G. GRCh37 (hg19) VCF-style: chr7-124499030-T-G.
Other names: c.290A>C, p.His97Pro (NM_001042594.2); short protein forms H228P, H97P.
Identifiers: ClinVar variation 3018367 (VCV003018367.3), dbSNP rs1584769814, ClinGen allele CA369056055.